The following is an entry in ClinVar:

ClinVar aggregate classification (germline): Conflicting classifications of pathogenicity. Review status: criteria provided, conflicting classifications (1 of 4 stars). 2 submissions from 2 submitters: Uncertain significance (1); Likely benign (1). Last evaluated 2025-10-21.

Conditions:
Inflammatory skin and bowel disease, neonatal, 1. Identifiers: Orphanet 294023, MedGen C3280501, MONDO:0013693, OMIM 614328.
Inborn genetic diseases. Identifiers: MedGen C0950123, MeSH D030342.

Allele frequency attached by ClinVar (database versions not stated): ExAC 0.00002; 1000 Genomes Project 30x 0.00016; gnomAD 0.00001; TOPMed 0.00001; 1000 Genomes Project 0.00020.
gnomAD v4.1: 3 of 1,602,124 alleles (0.00019%); highest among the groups gnomAD compares: Admixed American, 0.0051%; no homozygotes.

Submissions (2):

Ambry Genetics
Classification: Likely benign for Inborn genetic diseases. Last evaluated: 2025-10-21. Review status: criteria provided, single submitter. Criteria: Ambry Variant Classification Scheme 2023. Collection method: clinical testing. Allele origin: germline.

Labcorp Genetics (formerly Invitae), Labcorp
Classification: Uncertain significance for Inflammatory skin and bowel disease, neonatal, 1. Last evaluated: 2021-09-17. Review status: criteria provided, single submitter. Criteria: Invitae Variant Classification Sherloc (09022015). Collection method: clinical testing. Allele origin: germline.
Comment: This sequence change replaces phenylalanine with leucine at codon 14 of the ADAM17 protein (p.Phe14Leu). The phenylalanine residue is weakly conserved and there is a small physicochemical difference between phenylalanine and leucine. This variant is present in population databases (rs578189296, ExAC 0.03%). This variant has not been reported in the literature in individuals with ADAM17-related conditions. Algorithms developed to predict the effect of missense changes on protein structure and function output the following: SIFT: "Not Available"; PolyPhen-2: "Benign"; Align-GVGD: "Not Available". The leucine amino acid residue is found in multiple mammalian species, suggesting that this missense change does not adversely affect protein function. These predictions have not been confirmed by published functional studies and their clinical significance is uncertain. In summary, the available evidence is currently insufficient to determine the role of this variant in disease. Therefore, it has been classified as a Variant of Uncertain Significance.

NM_003183.6(ADAM17):c.42C>A (p.Phe14Leu)

Gene: ADAM17 (ADAM metallopeptidase domain 17; minus strand). Cytogenetic location: 2p25.1.
Variant type: single nucleotide variant.
Coding change: c.42C>A on transcript NM_003183.6 (MANE Select); coding-DNA position 42, C replaced by A.
Protein change: p.Phe14Leu; replaces phenylalanine 14 with leucine.
Molecular consequence: missense variant. On other transcripts: 5 prime UTR variant (2).
Genome position (GRCh38, 1-based): chr2:9,555,564, G>T on the plus strand (C>A on the coding strand, the complement: ADAM17 is on the minus strand). VCF-style: chr2-9555564-G-T. GRCh37 (hg19) VCF-style: chr2-9695693-G-T.
Other names: c.-639C>A (NM_001382777.1); c.-881C>A (NM_001382778.1); c.42C>A (NM_003183.4); short protein forms F14L.
Identifiers: ClinVar variation 1432565 (VCV001432565.6), dbSNP rs578189296, ClinGen allele CA1523893.
Genomic context (GRCh38, chr2:9,555,564, plus strand): 5'-TTTACCGAGTCTCTGGTGGGGGCCGAAGCCCGGGTCATCCGGAGGTCGCGGCGCCAGCAC[G>T]AAAGGAACCACGCTGGTCAGGAATAGGAGAGACTGCCTCATGTTCCCGGCCCCGCTACCG-3'
Protein context (NP_003174.3, residues 4-24): SLLFLTSVVP[Phe14Leu]VLAPRPPDDP